The following is an entry in ClinVar:

ClinVar aggregate classification (germline): Uncertain significance. Review status: criteria provided, multiple submitters, no conflicts (2 of 4 stars). 3 submissions from 3 submitters: Uncertain significance (3). Last evaluated 2024-11-04.

Conditions:
Hereditary cancer-predisposing syndrome. Also called: Hereditary Cancer Syndrome; Tumor predisposition; Hereditary neoplastic syndrome; Neoplastic Syndromes, Hereditary. Identifiers: Orphanet 140162, MedGen C0027672, MeSH D009386, MONDO:0015356.
Bloom syndrome (BLM). Also called: Bloom-Torre-Machacek syndrome. Identifiers: Orphanet 125, MedGen C0005859, MONDO:0008876, OMIM 210900.

gnomAD v4.1: 1 of 1,603,254 alleles (0.000062%); highest among the groups gnomAD compares: South Asian, 0.0011%; no homozygotes.

Submissions (3):

GeneDx
Classification: Uncertain significance. Last evaluated: 2024-11-04. Review status: criteria provided, single submitter. Criteria: GeneDx Variant Classification Process June 2021. Collection method: clinical testing. Allele origin: germline. Affected: yes.
Comment: Not observed at significant frequency in large population cohorts (gnomAD); In silico analysis supports that this missense variant has a deleterious effect on protein structure/function; Has not been previously published as pathogenic or benign to our knowledge

Ambry Genetics
Classification: Uncertain significance for Hereditary cancer-predisposing syndrome. Last evaluated: 2024-06-18. Review status: criteria provided, single submitter. Criteria: Ambry Variant Classification Scheme 2023. Collection method: clinical testing. Allele origin: germline.
Comment: The p.D740G variant (also known as c.2219A>G), located in coding exon 9 of the BLM gene, results from an A to G substitution at nucleotide position 2219. The aspartic acid at codon 740 is replaced by glycine, an amino acid with similar properties. This amino acid position is conserved. In addition, this alteration is predicted to be deleterious by in silico analysis. Based on the available evidence, the clinical significance of this variant remains unclear.

Labcorp Genetics (formerly Invitae), Labcorp
Classification: Uncertain significance for Bloom syndrome. Last evaluated: 2024-04-09. Review status: criteria provided, single submitter. Criteria: Invitae Variant Classification Sherloc (09022015). Collection method: clinical testing. Allele origin: germline.
Comment: This sequence change replaces aspartic acid, which is acidic and polar, with glycine, which is neutral and non-polar, at codon 740 of the BLM protein (p.Asp740Gly). This variant is not present in population databases (gnomAD no frequency). This variant has not been reported in the literature in individuals affected with BLM-related conditions. Advanced modeling of protein sequence and biophysical properties (such as structural, functional, and spatial information, amino acid conservation, physicochemical variation, residue mobility, and thermodynamic stability) performed at Invitae indicates that this missense variant is not expected to disrupt BLM protein function with a negative predictive value of 80%. In summary, the available evidence is currently insufficient to determine the role of this variant in disease. Therefore, it has been classified as a Variant of Uncertain Significance.

NM_000057.4(BLM):c.2219A>G (p.Asp740Gly)

Gene: BLM (BLM RecQ like helicase; plus strand). Cytogenetic location: 15q26.1.
Variant type: single nucleotide variant.
Coding change: c.2219A>G on transcript NM_000057.4 (MANE Select); coding-DNA position 2219, A replaced by G.
Protein change: p.Asp740Gly; replaces aspartic acid 740 with glycine.
Molecular consequence: missense variant.
Genome position (GRCh38, 1-based): chr15:90,766,935, A>G. VCF-style: chr15-90766935-A-G. GRCh37 (hg19) VCF-style: chr15-91310165-A-G.
Other names: c.2219A>G, p.Asp740Gly (NM_001287246.2, NM_001287247.2); c.1094A>G, p.Asp365Gly (NM_001287248.2); short protein forms D740G, D365G.
Identifiers: ClinVar variation 3261057 (VCV003261057.4).